The following is an entry in ClinVar:

ClinVar aggregate classification (germline): Uncertain significance (1 of 4 stars; one submission).

Allele frequency attached by ClinVar (database versions not stated): gnomAD exomes below 0.00001; TOPMed 0.00003; ExAC 0.00004; gnomAD 0.00004; ESP Exome Variant Server 0.00015.
gnomAD v4.1: 10 of 1,614,082 alleles (0.00062%); highest among the groups gnomAD compares: African/African-American, 0.013%; no homozygotes.

Submission:

Labcorp Genetics (formerly Invitae), Labcorp
Classification: Uncertain significance. Last evaluated: 2023-10-04. Review status: criteria provided, single submitter. Criteria: Invitae Variant Classification Sherloc (09022015). Collection method: clinical testing. Allele origin: germline.
Comment: This sequence change replaces valine, which is neutral and non-polar, with leucine, which is neutral and non-polar, at codon 499 of the SON protein (p.Val499Leu). This variant is present in population databases (rs368775619, gnomAD 0.03%). This variant has not been reported in the literature in individuals affected with SON-related conditions. An algorithm developed to predict the effect of missense changes on protein structure and function (PolyPhen-2) suggests that this variant is likely to be disruptive. In summary, the available evidence is currently insufficient to determine the role of this variant in disease. Therefore, it has been classified as a Variant of Uncertain Significance.

NM_138927.4(SON):c.1495G>C (p.Val499Leu)

Genes: MIR6501 (microRNA 6501; plus strand), SON (SON DNA and RNA binding protein; plus strand). Cytogenetic location: 21q22.11.
Variant type: single nucleotide variant.
Coding change: c.1495G>C on transcript NM_138927.4 (MANE Select); coding-DNA position 1495, G replaced by C.
Protein change: p.Val499Leu; replaces valine 499 with leucine.
Molecular consequence: missense variant. On other transcripts: non-coding transcript variant (2), intron variant (1).
Genome position (GRCh38, 1-based): chr21:33,550,726, G>C. VCF-style: chr21-33550726-G-C. GRCh37 (hg19) VCF-style: chr21-34923032-G-C.
Other names: c.1495G>C, p.Val499Leu (NM_001291411.2, NM_001412133.1, NM_032195.3 and 2 more transcripts); c.244+4347G>C (NM_001291412.3); short protein forms V499L.
Identifiers: ClinVar variation 2903004 (VCV002903004.3), dbSNP rs368775619, ClinGen allele CA10008908.